The following is an entry in ClinVar:

ClinVar aggregate classification (germline): Uncertain significance (1 of 4 stars; one submission).

Submission:

GeneDx
Classification: Uncertain significance. Last evaluated: 2023-01-31. Review status: criteria provided, single submitter. Criteria: GeneDx Variant Classification Process June 2021. Collection method: clinical testing. Allele origin: germline. Affected: yes.
Comment: Not observed at significant frequency in large population cohorts (gnomAD); In silico analysis supports that this missense variant does not alter protein structure/function; Has not been previously published as pathogenic or benign to our knowledge

NM_133433.4(NIPBL):c.4240G>C (p.Val1414Leu)

Gene: NIPBL (NIPBL cohesin loading factor; plus strand). Cytogenetic location: 5p13.2.
Variant type: single nucleotide variant.
Coding change: c.4240G>C on transcript NM_133433.4 (MANE Select); coding-DNA position 4240, G replaced by C.
Protein change: p.Val1414Leu; replaces valine 1414 with leucine.
Molecular consequence: missense variant.
Genome position (GRCh38, 1-based): chr5:37,008,008, G>C. VCF-style: chr5-37008008-G-C. GRCh37 (hg19) VCF-style: chr5-37008110-G-C.
Other names: c.4240G>C, p.Val1414Leu (NM_015384.5); short protein forms V1414L.
Identifiers: ClinVar variation 2574272 (VCV002574272.1), dbSNP rs2478165788, ClinGen allele CA359526146.